The following is an entry in ClinVar:

NM_057175.5(NAA15):c.2380C>T (p.Leu794Phe)

Gene: NAA15 (N-alpha-acetyltransferase 15, NatA auxiliary subunit; plus strand). Cytogenetic location: 4q31.1.
Variant type: single nucleotide variant.
Coding change: c.2380C>T on transcript NM_057175.5 (MANE Select); coding-DNA position 2380, C replaced by T.
Protein change: p.Leu794Phe; replaces leucine 794 with phenylalanine.
Molecular consequence: missense variant.
Genome position (GRCh38, 1-based): chr4:139,386,210, C>T. VCF-style: chr4-139386210-C-T. GRCh37 (hg19) VCF-style: chr4-140307364-C-T.
Other names: c.2377C>T, p.Leu793Phe (NM_001410842.1); c.*789C>T (NM_025085.2); short protein forms L793F, L794F.
Identifiers: ClinVar variation 2995859 (VCV002995859.3), dbSNP rs760178261, ClinGen allele CA3083832.
Genomic context (GRCh38, chr4:139,386,210, plus strand): 5'-TACTTAGATCCTTCTAGTCAGAAGCGAGCTATAGAGTTGGCAACAACACTTGATGAATCT[C>T]TCACTAACAGAAACCTCCAGGTAAAGAGTTTTTCATAATCTCTCTGTAAGAATACTTAAC-3'
Protein context (NP_476516.1, residues 784-804): IELATTLDES[Leu794Phe]TNRNLQTCME

ClinVar aggregate classification (germline): Uncertain significance (1 of 4 stars; one submission).

Allele frequency attached by ClinVar (database versions not stated): gnomAD exomes 0.00001; ExAC 0.00002.

Submission:

Labcorp Genetics (formerly Invitae), Labcorp
Classification: Uncertain significance. Last evaluated: 2024-01-15. Review status: criteria provided, single submitter. Criteria: Invitae Variant Classification Sherloc (09022015). Collection method: clinical testing. Allele origin: germline.
Comment: This sequence change replaces leucine, which is neutral and non-polar, with phenylalanine, which is neutral and non-polar, at codon 794 of the NAA15 protein (p.Leu794Phe). This variant is present in population databases (rs760178261, gnomAD 0.003%). This variant has not been reported in the literature in individuals affected with NAA15-related conditions. An algorithm developed to predict the effect of missense changes on protein structure and function (PolyPhen-2) suggests that this variant is likely to be disruptive. In summary, the available evidence is currently insufficient to determine the role of this variant in disease. Therefore, it has been classified as a Variant of Uncertain Significance.